The following is an entry in ClinVar:

ClinVar aggregate classification (germline): Benign. Review status: criteria provided, multiple submitters, no conflicts (2 of 4 stars). 2 submissions from 2 submitters: Benign (2). Last evaluated 2018-06-16.

Allele frequency attached by ClinVar (database versions not stated): gnomAD exomes 0.00226; 1000 Genomes Project 0.01458; 1000 Genomes Project 30x 0.01515; gnomAD 0.01537 and 0.01650; TOPMed 0.01804.

Submissions (2):

GeneDx
Classification: Benign. Last evaluated: 2018-06-16. Review status: criteria provided, single submitter. Criteria: GeneDx Variant Classification (06012015). Collection method: clinical testing. Allele origin: germline. Affected: yes.
Comment: This variant is considered likely benign or benign based on one or more of the following criteria: it is a conservative change, it occurs at a poorly conserved position in the protein, it is predicted to be benign by multiple in silico algorithms, and/or has population frequency not consistent with disease.

Breakthrough Genomics
Classification: Benign. Review status: criteria provided, single submitter. Criteria: ACMG Guidelines, 2015. Collection method: not provided. Allele origin: germline. Inheritance: Autosomal recessive inheritance. Affected: yes.

NM_001849.4(COL6A2):c.-27-89G>A

Gene: COL6A2 (collagen type VI alpha 2 chain; plus strand). Cytogenetic location: 21q22.3.
Variant type: single nucleotide variant.
Coding change: c.-27-89G>A on transcript NM_001849.4 (MANE Select); 89 bases into the intron before 27 bases upstream of the start codon, G replaced by A.
Molecular consequence: intron variant.
Genome position (GRCh38, 1-based): chr21:46,111,361, G>A. VCF-style: chr21-46111361-G-A. GRCh37 (hg19) VCF-style: chr21-47531275-G-A.
Other names: c.-27-89G>A (NM_058175.3, NM_058174.3).
Identifiers: ClinVar variation 679820 (VCV000679820.2), dbSNP rs115342490, ClinGen allele CA14899455.